The following is an entry in ClinVar:

NM_177438.3(DICER1):c.4686T>G (p.Cys1562Trp)

Gene: DICER1 (dicer 1, ribonuclease III; minus strand). Cytogenetic location: 14q32.13.
Variant type: single nucleotide variant.
Coding change: c.4686T>G on transcript NM_177438.3 (MANE Select); coding-DNA position 4686, T replaced by G.
Protein change: p.Cys1562Trp; replaces cysteine 1562 with tryptophan.
Molecular consequence: missense variant. On other transcripts: non-coding transcript variant (6).
Genome position (GRCh38, 1-based): chr14:95,096,234, A>C on the plus strand (T>G on the coding strand, the complement: DICER1 is on the minus strand). VCF-style: chr14-95096234-A-C. GRCh37 (hg19) VCF-style: chr14-95562571-A-C.
Other names: c.4686T>G, p.Cys1562Trp (NM_001195573.1, NM_001271282.3, NM_001291628.2 and 12 more transcripts); c.4281T>G, p.Cys1427Trp (NM_001395696.1, NM_001395687.1, NM_001395688.1 and 2 more transcripts); c.3003T>G, p.Cys1001Trp (NM_001395697.1); c.4404T>G, p.Cys1468Trp (NM_001395686.1); c.4119T>G, p.Cys1373Trp (NM_001395691.1); short protein forms C1001W, C1373W, C1427W, C1468W, C1562W.
Identifiers: ClinVar variation 4240517 (VCV004240517.1).
Genomic context (GRCh38, chr14:95,096,234, plus strand): 5'-GAAAAGCTGAGCAGCCCTCTCCCCACAGCTGGTTAAATAGCAGCCCAGCAGGGCTTCCAC[A>C]CAGTCCGCTATGCTTTTGTCAGCAATACACTGCTCAGTGTGCAAGTCGTAAGAAATGGAC-3'
Protein context (NP_803187.1, residues 1552-1572): QCIADKSIAD[Cys1562Trp]VEALLGCYLT

ClinVar aggregate classification (germline): Uncertain significance (1 of 4 stars; one submission).

Conditions:
Hereditary cancer-predisposing syndrome. Also called: Hereditary Cancer Syndrome; Hereditary neoplastic syndrome; Neoplastic Syndromes, Hereditary; Tumor predisposition. Identifiers: Orphanet 140162, MedGen C0027672, MeSH D009386, MONDO:0015356.

Submission:

Ambry Genetics
Classification: Uncertain significance for Hereditary cancer-predisposing syndrome. Last evaluated: 2025-08-05. Review status: criteria provided, single submitter. Criteria: Ambry Variant Classification Scheme 2023. Collection method: clinical testing. Allele origin: germline.
Comment: The p.C1562W variant (also known as c.4686T>G), located in coding exon 22 of the DICER1 gene, results from a T to G substitution at nucleotide position 4686. The cysteine at codon 1562 is replaced by tryptophan, an amino acid with highly dissimilar properties. This amino acid position is conserved. In addition, this alteration is predicted to be deleterious by in silico analysis. Based on the available evidence, the clinical significance of this variant remains unclear.